The following is an entry in ClinVar:

NM_001385875.1(ZFYVE27):c.805-5C>T

Gene: ZFYVE27 (zinc finger FYVE-type containing 27; plus strand). Cytogenetic location: 10q24.2.
Variant type: single nucleotide variant.
Coding change: c.805-5C>T on transcript NM_001385875.1 (MANE Select); 5 bases into the intron before coding-DNA position 805, C replaced by T.
Molecular consequence: intron variant. On other transcripts: missense variant (23), non-coding transcript variant (5).
Genome position (GRCh38, 1-based): chr10:97,751,386, C>T. VCF-style: chr10-97751386-C-T. GRCh37 (hg19) VCF-style: chr10-99511143-C-T.
Other names: c.815C>T, p.Ser272Phe (NM_001002261.4, NM_001385871.1, NM_001385878.1 and 2 more transcripts); c.521C>T, p.Ser174Phe (NM_001174121.2, NM_001385915.1); c.854C>T, p.Ser285Phe (NM_001385876.1); c.779C>T, p.Ser260Phe (NM_001385881.1); c.719C>T, p.Ser240Phe (NM_001385885.1, NM_001385886.1, NM_001385887.1 and 1 more transcripts); c.611C>T, p.Ser204Phe (NM_001385890.1, NM_001385891.1, NM_001385893.1 and 2 more transcripts); c.557C>T, p.Ser186Phe (NM_001385901.1, NM_001385902.1, NM_001385911.1); c.578C>T, p.Ser193Phe (NM_001385903.1, NM_001385904.1); and 8 more; short protein forms S272F, S174F, S186F, S193F, S204F, S240F, S260F, S285F.
Identifiers: ClinVar variation 880086 (VCV000880086.5), dbSNP rs535449776, ClinGen allele CA5635314.

ClinVar aggregate classification (germline): Conflicting classifications of pathogenicity. Review status: criteria provided, conflicting classifications (1 of 4 stars). 2 submissions from 2 submitters: Uncertain significance (1); Likely benign (1). Last evaluated 2021-08-10.

Conditions:
Hereditary spastic paraplegia 33. Also called: SPASTIC PARAPLEGIA 33, AUTOSOMAL DOMINANT. Identifiers: MedGen C1853251, MONDO:0012448, OMIM 610244.

Allele frequency attached by ClinVar (database versions not stated): gnomAD below 0.00001 and 0.00003; TOPMed 0.00001; gnomAD exomes 0.00007 and 0.00015; 1000 Genomes Project 30x 0.00016; ExAC 0.00017; 1000 Genomes Project 0.00020.

Submissions (2):

Ambry Genetics
Classification: Uncertain significance. Last evaluated: 2021-08-10. Review status: criteria provided, single submitter. Criteria: Ambry Variant Classification Scheme 2023. Collection method: clinical testing. Allele origin: germline.

Illumina Laboratory Services, Illumina
Classification: Likely benign for Hereditary spastic paraplegia 33. Last evaluated: 2018-01-13. Review status: criteria provided, single submitter. Criteria: ICSL Variant Classification Criteria 13 December 2019. Collection method: clinical testing. Allele origin: germline.
Comment: This variant was observed in the ICSL laboratory as part of a predisposition screen in an ostensibly healthy population. It had not been previously curated by ICSL or reported in the Human Gene Mutation Database (HGMD: prior to June 1st, 2018), and was therefore a candidate for classification through an automated scoring system. Utilizing variant allele frequency, disease prevalence and penetrance estimates, and inheritance mode, an automated score was calculated to assess if this variant is too frequent to cause the disease. Based on the score and internal cut-off values, a variant classified as likely benign is not then subjected to further curation. The score for this variant resulted in a classification of likely benign for this disease.